The following is an entry in ClinVar:

ClinVar aggregate classification (germline): Likely pathogenic (1 of 4 stars; one submission).

Conditions:
NEK9-related disorder. Also called: NEK9-related condition.

gnomAD v4.1: 2 of 1,605,702 alleles (0.00012%); highest among the groups gnomAD compares: Admixed American, 0.0034%; no homozygotes.

Submission:

PreventionGenetics, part of Exact Sciences
Classification: Likely pathogenic for NEK9-related condition. Last evaluated: 2025-03-30. Review status: criteria provided, single submitter. Criteria: ACMG Guidelines, 2015. Collection method: clinical testing. Allele origin: germline.
Comment: The NEK9 c.1328-2A>G variant is predicted to disrupt the AG splice acceptor site and interfere with normal splicing. To our knowledge, this variant has not been reported in the literature. This variant is reported in 0.0059% of alleles in individuals of Latino descent in gnomAD. Variants that disrupt the consensus splice acceptor site in NEK9 are expected to be pathogenic. This variant is interpreted as likely pathogenic.

NM_033116.6(NEK9):c.1328-2A>G

Gene: NEK9 (NIMA related kinase 9; minus strand). Cytogenetic location: 14q24.3.
Variant type: single nucleotide variant.
Coding change: c.1328-2A>G on transcript NM_033116.6 (MANE Select); the canonical splice acceptor site of the intron before coding-DNA position 1328, A replaced by G.
Molecular consequence: splice acceptor variant.
Genome position (GRCh38, 1-based): chr14:75,106,704, T>C on the plus strand (A>G on the coding strand, the complement: NEK9 is on the minus strand). VCF-style: chr14-75106704-T-C. GRCh37 (hg19) VCF-style: chr14-75573407-T-C.
Other names: c.974-2A>G (NM_001329238.2); c.1328-2A>G (NM_001329237.2).
Identifiers: ClinVar variation 4999212 (VCV004999212.1).